The following is an entry in ClinVar:

ClinVar aggregate classification (germline): Uncertain significance. Review status: criteria provided, multiple submitters, no conflicts (2 of 4 stars). 3 submissions from 3 submitters: Uncertain significance (3). Last evaluated 2025-08-05.

Conditions:
Hereditary cancer-predisposing syndrome. Also called: Neoplastic Syndromes, Hereditary; Hereditary Cancer Syndrome; Hereditary neoplastic syndrome; Tumor predisposition. Identifiers: Orphanet 140162, MedGen C0027672, MeSH D009386, MONDO:0015356.
Tumor predisposition syndrome 3 (TPDS3). Also called: Glioma susceptibility 9; LONG TELOMERE SYNDROME, POT1-RELATED; POT1 Tumor Predisposition; Melanoma, cutaneous malignant, susceptibility to, 10. Identifiers: Orphanet 618, MedGen C4014476, MONDO:0014368, OMIM 615848.

Allele frequency attached by ClinVar (database versions not stated): gnomAD exomes below 0.00001; TOPMed below 0.00001.
gnomAD v4.1: 1 of 1,606,146 alleles (0.000062%); highest among the groups gnomAD compares: Non-Finnish European, 0.000085%; no homozygotes.

Submissions (3):

Ambry Genetics
Classification: Uncertain significance for Hereditary cancer-predisposing syndrome. Last evaluated: 2025-08-05. Review status: criteria provided, single submitter. Criteria: Ambry Variant Classification Scheme 2023. Collection method: clinical testing. Allele origin: germline.
Comment: The p.R328G variant (also known as c.982A>G), located in coding exon 8 of the POT1 gene, results from an A to G substitution at nucleotide position 982. The arginine at codon 328 is replaced by glycine, an amino acid with dissimilar properties. This amino acid position is highly conserved in available vertebrate species. In addition, the in silico prediction for this alteration is inconclusive. Based on the available evidence, the clinical significance of this variant remains unclear.

Labcorp Genetics (formerly Invitae), Labcorp
Classification: Uncertain significance for Tumor predisposition syndrome 3. Last evaluated: 2022-09-25. Review status: criteria provided, single submitter. Criteria: Invitae Variant Classification Sherloc (09022015). Collection method: clinical testing. Allele origin: germline.
Comment: This sequence change replaces arginine, which is basic and polar, with glycine, which is neutral and non-polar, at codon 328 of the POT1 protein (p.Arg328Gly). This variant is not present in population databases (gnomAD no frequency). This variant has not been reported in the literature in individuals affected with POT1-related conditions. ClinVar contains an entry for this variant (Variation ID: 1515300). Advanced modeling of protein sequence and biophysical properties (such as structural, functional, and spatial information, amino acid conservation, physicochemical variation, residue mobility, and thermodynamic stability) performed at Invitae indicates that this missense variant is not expected to disrupt POT1 protein function. In summary, the available evidence is currently insufficient to determine the role of this variant in disease. Therefore, it has been classified as a Variant of Uncertain Significance.

GeneDx
Classification: Uncertain significance. Last evaluated: 2021-11-23. Review status: criteria provided, single submitter. Criteria: GeneDx Variant Classification Process June 2021. Collection method: clinical testing. Allele origin: germline. Affected: yes.
Comment: Not observed at significant frequency in large population cohorts (gnomAD); In silico analysis supports that this missense variant has a deleterious effect on protein structure/function; Has not been previously published as pathogenic or benign to our knowledge

NM_015450.3(POT1):c.982A>G (p.Arg328Gly)

Gene: POT1 (protection of telomeres 1; minus strand). Cytogenetic location: 7q31.33.
Variant type: single nucleotide variant.
Coding change: c.982A>G on transcript NM_015450.3 (MANE Select); coding-DNA position 982, A replaced by G.
Protein change: p.Arg328Gly; replaces arginine 328 with glycine.
Molecular consequence: missense variant. On other transcripts: non-coding transcript variant (3).
Genome position (GRCh38, 1-based): chr7:124,846,966, T>C on the plus strand (A>G on the coding strand, the complement: POT1 is on the minus strand). VCF-style: chr7-124846966-T-C. GRCh37 (hg19) VCF-style: chr7-124487020-T-C.
Other names: c.589A>G, p.Arg197Gly (NM_001042594.2); short protein forms R197G, R328G.
Identifiers: ClinVar variation 1515300 (VCV001515300.10), dbSNP rs1795184644, ClinGen allele CA369053755.
Genomic context (GRCh38, chr7:124,846,966, plus strand): 5'-TACTGTGCCCATCTCAAAAATGATACATAGTCTTACTTGTAGCAGATAGCTGTTGACATC[T>C]TTCTACCTCGTATAATGATACTGATCCAGAGCCTATAAAAAGGAAAAGGCAAAAAAATTA-3'
Protein context (NP_056265.2, residues 318-338): SGSVSLYEVE[Arg328Gly]CQQLSATILT